The following is an entry in ClinVar:

NM_016284.5(CNOT1):c.5241G>A (p.Ala1747=)

Gene: CNOT1 (CCR4-NOT transcription complex subunit 1; minus strand). Cytogenetic location: 16q21.
Variant type: single nucleotide variant.
Coding change: c.5241G>A on transcript NM_016284.5 (MANE Select); coding-DNA position 5241, G replaced by A.
Protein change: p.Ala1747=; no amino-acid change (alanine 1747 retained).
Molecular consequence: synonymous variant. On other transcripts: non-coding transcript variant (1).
Genome position (GRCh38, 1-based): chr16:58,538,161, C>T on the plus strand (G>A on the coding strand, the complement: CNOT1 is on the minus strand). VCF-style: chr16-58538161-C-T. GRCh37 (hg19) VCF-style: chr16-58572065-C-T.
Other names: c.5226G>A, p.Ala1742= (NM_001265612.2).
Identifiers: ClinVar variation 1978331 (VCV001978331.28), dbSNP rs781409507, ClinGen allele CA8088921.
Genomic context (GRCh38, chr16:58,538,161, plus strand): 5'-AAGAGCAAACGTACTTCCCTGAGTCCTTTTGTCCGTGCAAGTAAATTCCTTCCATACCTG[C>T]GCTAGGTGAAGATCATACTGCTGCATATTAACCAAATGATTGCGAATTAGCAGCTCCACA-3'
Protein context (NP_057368.3, residues 1737-1757): VNMQQYDLHL[Ala1747=]QSMENGLNYM

ClinVar aggregate classification (germline): Likely benign. Review status: criteria provided, multiple submitters, no conflicts (2 of 4 stars). 2 submissions from 2 submitters: Likely benign (2). Last evaluated 2024-10-16.

Allele frequency attached by ClinVar (database versions not stated): ExAC 0.00002; gnomAD 0.00003; gnomAD exomes 0.00003; TOPMed 0.00003.
gnomAD v4.1: 45 of 1,577,408 alleles (0.0029%); highest among the groups gnomAD compares: East Asian, 0.027%; no homozygotes.

Submissions (2):

Labcorp Genetics (formerly Invitae), Labcorp
Classification: Likely benign. Last evaluated: 2024-10-16. Review status: criteria provided, single submitter. Criteria: Invitae Variant Classification Sherloc (09022015). Collection method: clinical testing. Allele origin: germline.

CeGaT Center for Human Genetics Tuebingen
Classification: Likely benign. Last evaluated: 2022-07-01. Review status: criteria provided, single submitter. Criteria: CeGaT Center For Human Genetics Tuebingen Variant Classification Criteria Version 2. Collection method: clinical testing. Allele origin: germline. Affected: yes. Observed: 1 variant allele.
Comment: CNOT1: BP4, BP7